The following is an entry in ClinVar:

ClinVar aggregate classification (germline): Likely pathogenic (1 of 4 stars; one submission).

Conditions:
Neurodevelopmental disorder. Identifiers: MedGen C1535926, MeSH D065886, MONDO:0700092.

gnomAD v4.1: 1 of 1,614,194 alleles (0.000062%); highest among the groups gnomAD compares: Non-Finnish European, 0.000085%; no homozygotes.

Submission:

Victorian Clinical Genetics Services, Murdoch Childrens Research Institute
Classification: Likely pathogenic for Neurodevelopmental disorder. Last evaluated: 2024-09-20. Review status: criteria provided, single submitter. Criteria: ACMG Guidelines, 2015. Collection method: clinical testing. Allele origin: germline. Inheritance: Autosomal dominant inheritance. Affected: yes.
Comment: Based on the classification scheme VCGS_Germline_v1.3.4, this variant is classified as Likely Pathogenic. Following criteria are met: 0102 - Loss of function is a likely mechanism of disease in this gene and is associated with neurodevelopmental disorder (MONDO:0700092), FOXP4-related. Functional studies on missense variants support a loss of function mechanism; however, dominant negative has not been excluded as a mechanism (PMID: 33110267). (I) 0107 - This gene is associated with autosomal dominant disease (PMID: 33110267). (I) 0200 - Variant is predicted to result in a missense amino acid change from aspartic acid to histidine. (I) 0251 - This variant is heterozygous. (I) 0302 - Variant is present in gnomAD (v2) <0.001 for a dominant condition (1 heterozygote, 0 homozygotes). (SP) 0501 - Missense variant consistently predicted to be damaging by multiple in silico tools or highly conserved with a major amino acid change. (SP) 0602 - Variant is located in a hotspot region or cluster of pathogenic variants. Missense variants cluster within the forkhead domain (PMID: 33110267). (SP) 0705 - No comparable missense variants have previous evidence for pathogenicity. (I) 0807 - This variant has no previous evidence of pathogenicity. (I) 0905 - No published segregation evidence has been identified for this variant. (I) 1007 - No published functional evidence has been identified for this variant. (SP) Legend: (SP) - Supporting pathogenic, (I) - Information, (SB) - Supporting benign

Literature cited by the submitters: PubMed 33110267.

NM_001012426.2(FOXP4):c.1615G>C (p.Asp539His)

Gene: FOXP4 (forkhead box P4; plus strand). Cytogenetic location: 6p21.1.
Variant type: single nucleotide variant.
Coding change: c.1615G>C on transcript NM_001012426.2 (MANE Select); coding-DNA position 1615, G replaced by C.
Protein change: p.Asp539His; replaces aspartic acid 539 with histidine.
Molecular consequence: missense variant.
Genome position (GRCh38, 1-based): chr6:41,594,948, G>C. VCF-style: chr6-41594948-G-C. GRCh37 (hg19) VCF-style: chr6-41562686-G-C.
Other names: c.1609G>C, p.Asp537His (NM_001012427.2); c.1579G>C, p.Asp527His (NM_001405824.1); c.1519G>C, p.Asp507His (NM_001405825.1); c.1483G>C, p.Asp495His (NM_001405826.1); c.1576G>C, p.Asp526His (NM_138457.3); short protein forms D495H, D507H, D526H, D527H, D537H, D539H.
Identifiers: ClinVar variation 3376844 (VCV003376844.1).